The following is an entry in ClinVar:

ClinVar aggregate classification (germline): Likely pathogenic. Review status: criteria provided, multiple submitters, no conflicts (2 of 4 stars). 4 submissions from 4 submitters: Likely pathogenic (4). Last evaluated 2025-07-24.

Conditions:
Glaucoma 1, open angle, E. Identifiers: MedGen C1842026, MONDO:0007665.
Primary open angle glaucoma (POAG). Also called: OPTN-related open angle glaucoma. Identifiers: MedGen C0339573, MONDO:0100553, OMIM 137760.
Amyotrophic lateral sclerosis type 12 (ALS12). Also called: AMYOTROPHIC LATERAL SCLEROSIS 12 WITH OR WITHOUT FRONTOTEMPORAL DEMENTIA. Identifiers: Orphanet 803, MedGen C3150692, MONDO:0013264, OMIM 613435.
Inborn genetic diseases. Identifiers: MedGen C0950123, MeSH D030342.

Allele frequency attached by ClinVar (database versions not stated): gnomAD 0.00001; gnomAD exomes 0.00001; ExAC 0.00002; TOPMed 0.00002.
gnomAD v4.1: 31 of 1,610,808 alleles (0.0019%); highest among the groups gnomAD compares: Admixed American, 0.005%; no homozygotes.

Submissions (4):

Labcorp Genetics (formerly Invitae), Labcorp
Classification: Likely pathogenic for Primary open angle glaucoma; Glaucoma 1, open angle, E; Amyotrophic lateral sclerosis type 12. Last evaluated: 2025-07-24. Review status: criteria provided, single submitter. Criteria: Invitae Variant Classification Sherloc (09022015). Collection method: clinical testing. Allele origin: germline.
Comment: This sequence change affects a donor splice site in intron 5 of the OPTN gene. It is expected to disrupt RNA splicing. Variants that disrupt the donor or acceptor splice site typically lead to a loss of protein function (PMID: 16199547), and loss-of-function variants in OPTN are known to be pathogenic (PMID: 20428114). This variant is present in population databases (rs756957223, gnomAD 0.006%). This variant has not been reported in the literature in individuals affected with OPTN-related conditions. ClinVar contains an entry for this variant (Variation ID: 632055). Algorithms developed to predict the effect of sequence changes on RNA splicing suggest that this variant may disrupt the consensus splice site. In summary, the currently available evidence indicates that the variant is pathogenic, but additional data are needed to prove that conclusively. Therefore, this variant has been classified as Likely Pathogenic.

First Genomix Gene Laboratory, Genetic Diagnostics Department
Classification: Likely pathogenic for Amyotrophic lateral sclerosis type 12. Last evaluated: 2025-01-14. Review status: criteria provided, single submitter. Criteria: ACMG Guidelines, 2015. Collection method: clinical testing. Allele origin: germline. Inheritance: Autosomal recessive inheritance. Affected: no. Observed: 1 variant allele.

Revvity Omics, Revvity
Classification: Likely pathogenic. Last evaluated: 2024-05-29. Review status: criteria provided, single submitter. Criteria: ACMG Guidelines, 2015. Collection method: clinical testing. Allele origin: germline.

Ambry Genetics
Classification: Likely pathogenic for Inborn genetic diseases. Last evaluated: 2023-08-23. Review status: criteria provided, single submitter. Criteria: Ambry Variant Classification Scheme 2023. Collection method: clinical testing. Allele origin: germline.
Comment: The c.626+1G>A intronic variant results from a G to A substitution one nucleotide after exon 5 (coding exon 4) of the OPTN gene. Alterations that disrupt the canonical splice site are expected to cause aberrant splicing, resulting in an abnormal protein or a transcript that is subject to nonsense-mediated mRNA decay. Although biallelic loss of function alterations in OPTN have been associated with autosomal recessive OPTN-related amyotrophic lateral sclerosis, haploinsufficiency for OPTN has not been established as a mechanism of disease for autosomal dominant OPTN-related amyotrophic lateral sclerosis. _x000D_ _x000D_ Based on the available evidence, this alteration is classified as likely pathogenic for autosomal recessive OPTN-related amyotrophic lateral sclerosis; however, its clinical significance for autosomal dominant OPTN-related amyotrophic lateral sclerosis is uncertain. Based on data from gnomAD, the A allele has an overall frequency of 0.001% (3/250752) total alleles studied. The highest observed frequency was 0.006% (2/34544) of Latino alleles. This nucleotide position is highly conserved in available vertebrate species. In silico splice site analysis predicts that this alteration will weaken the native splice donor site. Based on the available evidence, this alteration is classified as likely pathogenic.

Literature cited by the submitters: PubMed 16199547 (cited by Labcorp Genetics (formerly Invitae), Labcorp); PubMed 20428114 (cited by Labcorp Genetics (formerly Invitae), Labcorp).

NM_001008212.2(OPTN):c.626+1G>A

Gene: OPTN (optineurin; plus strand). Cytogenetic location: 10p13.
Variant type: single nucleotide variant.
Coding change: c.626+1G>A on transcript NM_001008212.2 (MANE Select); the canonical splice donor site of the intron after coding-DNA position 626, G replaced by A.
Molecular consequence: splice donor variant.
Genome position (GRCh38, 1-based): chr10:13,116,341, G>A. VCF-style: chr10-13116341-G-A. GRCh37 (hg19) VCF-style: chr10-13158341-G-A.
Other names: c.626+1G>A (NM_001008211.1, NM_001008213.1, NM_021980.4).
Identifiers: ClinVar variation 632055 (VCV000632055.15), dbSNP rs756957223, ClinGen allele CA5410685.
Genomic context (GRCh38, chr10:13,116,341, plus strand): 5'-AGGGTCAGTAAAAGAAATCAAGCATAGTCCTGGGCCCACGAGAACAGTCTCCACTGGCAC[G>A]TATGTGAAGGAAGACTCGGGCTGTCAGGCAGACAGGCTGGGCAGGCTCGTCACTGGGTGC-3'